The following is an entry in ClinVar:

ClinVar aggregate classification (germline): Likely benign. Review status: criteria provided, multiple submitters, no conflicts (2 of 4 stars). 3 submissions from 3 submitters: Likely benign (3). Last evaluated 2026-06-01.

Allele frequency attached by ClinVar (database versions not stated): gnomAD exomes 0.00008 and 0.00009; TOPMed 0.00008; gnomAD 0.00009 and 0.00011; ExAC 0.00013; 1000 Genomes Project 30x 0.00078; 1000 Genomes Project 0.00080.
gnomAD v4.1: 128 of 1,612,160 alleles (0.0079%); highest among the groups gnomAD compares: East Asian, 0.031%; no homozygotes.

Submissions (3):

CeGaT Center for Human Genetics Tuebingen
Classification: Likely benign. Last evaluated: 2026-06-01. Review status: criteria provided, single submitter. Criteria: CeGaT Center For Human Genetics Tuebingen Variant Classification Criteria Version 2. Collection method: clinical testing. Allele origin: germline. Affected: yes. Observed: 1 variant allele.
Comment: HTT: BP4, BP7

Blueprint Genetics
Classification: Likely benign. Last evaluated: 2023-10-16. Review status: criteria provided, single submitter. Criteria: ACMG Guidelines, 2015. Collection method: clinical testing. Allele origin: germline.

Labcorp Genetics (formerly Invitae), Labcorp
Classification: Likely benign. Last evaluated: 2021-05-26. Review status: criteria provided, single submitter. Criteria: Invitae Variant Classification Sherloc (09022015). Collection method: clinical testing. Allele origin: germline.

NM_001388492.1(HTT):c.8547G>A (p.Pro2849=)

Gene: HTT (huntingtin; plus strand). Cytogenetic location: 4p16.3.
Variant type: single nucleotide variant.
Coding change: c.8547G>A on transcript NM_001388492.1 (MANE Select); coding-DNA position 8547, G replaced by A.
Protein change: p.Pro2849=; no amino-acid change (proline 2849 retained).
Molecular consequence: synonymous variant.
Genome position (GRCh38, 1-based): chr4:3,235,374, G>A. VCF-style: chr4-3235374-G-A. GRCh37 (hg19) VCF-style: chr4-3237101-G-A.
Other names: c.8553G>A, p.Pro2851= (NM_002111.8).
Identifiers: ClinVar variation 1651557 (VCV001651557.11), dbSNP rs567166179, ClinGen allele CA2825725.
Genomic context (GRCh38, chr4:3,235,374, plus strand): 5'-ACTGGTCATGTGTGCCACTGCGTTTTACCTCATTGAGAACTATCCTCTGGACGTAGGGCC[G>A]GAATTTTCAGCATCAATAATACAGGTGAGTGGGCCCTGGCTGTCTTCCTCTGCACACGGG-3'
Protein context (NP_001375421.1, residues 2839-2859): LIENYPLDVG[Pro2849=]EFSASIIQMC